The following is an entry in ClinVar:

NM_020631.6(PLEKHG5):c.1318A>G (p.Met440Val)

Gene: PLEKHG5 (pleckstrin homology and RhoGEF domain containing G5; minus strand). Cytogenetic location: 1p36.31.
Variant type: single nucleotide variant.
Coding change: c.1318A>G on transcript NM_020631.6 (MANE Select); coding-DNA position 1318, A replaced by G.
Protein change: p.Met440Val; replaces methionine 440 with valine.
Molecular consequence: missense variant.
Genome position (GRCh38, 1-based): chr1:6,471,064, T>C on the plus strand (A>G on the coding strand, the complement: PLEKHG5 is on the minus strand). VCF-style: chr1-6471064-T-C. GRCh37 (hg19) VCF-style: chr1-6531124-T-C.
Other names: p.Met440Val; c.1429A>G, p.Met477Val (NM_001042663.3, NM_001265592.2); c.1318A>G, p.Met440Val (NM_001042664.2, NM_001042665.2, NM_001265594.3 and 1 more transcripts); c.1525A>G, p.Met509Val (NM_001265593.2); c.1318A>G (NM_020631.5); short protein forms M440V, M509V, M477V.
Identifiers: ClinVar variation 297958 (VCV000297958.16), dbSNP rs61740145, ClinGen allele CA561558.
Genomic context (GRCh38, chr1:6,471,064, plus strand): 5'-GGAAGAGGTCGTTGTCGCGCAGCAGGCCGCGCATGTACTCCATGCAGCCCTCCTCCTCCA[T>C]GCAGTAGCGGATGTAGGGCTTGAAGAGCGAGCCGAACTGGCCCGGGGCAGAACAACCACG-3'
Protein context (NP_065682.2, residues 430-450): SLFKPYIRYC[Met440Val]EEEGCMEYMR

ClinVar aggregate classification (germline): Benign. Review status: criteria provided, multiple submitters, no conflicts (2 of 4 stars). 5 submissions from 5 submitters: Benign (5). Last evaluated 2026-02-04.

Conditions:
Neuronopathy, distal hereditary motor, autosomal recessive 4. Also called: Autosomal recessive lower motor neuron disease with childhood onset; NEUROPATHY, DISTAL HEREDITARY MOTOR, AUTOSOMAL RECESSIVE 4. Identifiers: Orphanet 206580, MedGen C1970211, MONDO:0012608, OMIM 611067.
Charcot-Marie-Tooth disease recessive intermediate C. Also called: CHARCOT-MARIE-TOOTH NEUROPATHY, RECESSIVE INTERMEDIATE C. Identifiers: Orphanet 369867, MedGen C3809309, MONDO:0014154, OMIM 615376.

Allele frequency attached by ClinVar (database versions not stated): 1000 Genomes Project 30x 0.04794; 1000 Genomes Project 0.04812; TOPMed 0.05602; gnomAD exomes 0.05688 and 0.06646; gnomAD 0.05999 and 0.06002; ESP Exome Variant Server 0.06082; ExAC 0.08746.

Submissions (5):

Labcorp Genetics (formerly Invitae), Labcorp
Classification: Benign for Neuronopathy, distal hereditary motor, autosomal recessive 4; Charcot-Marie-Tooth disease recessive intermediate C. Last evaluated: 2026-02-04. Review status: criteria provided, single submitter. Criteria: Invitae Variant Classification Sherloc (09022015). Collection method: clinical testing. Allele origin: germline.

Illumina Laboratory Services, Illumina
Classification: Benign for Neuronopathy, distal hereditary motor, autosomal recessive 4. Last evaluated: 2018-01-13. Review status: criteria provided, single submitter. Criteria: ICSL Variant Classification Criteria 13 December 2019. Collection method: clinical testing. Allele origin: germline.
Comment: This variant was observed in the ICSL laboratory as part of a predisposition screen in an ostensibly healthy population. It had not been previously curated by ICSL or reported in the Human Gene Mutation Database (HGMD: prior to June 1st, 2018), and was therefore a candidate for classification through an automated scoring system. Utilizing variant allele frequency, disease prevalence and penetrance estimates, and inheritance mode, an automated score was calculated to assess if this variant is too frequent to cause the disease. Based on the score and internal cut-off values, a variant classified as benign is not then subjected to further curation. The score for this variant resulted in a classification of benign for this disease.

Mayo Clinic Laboratories, Mayo Clinic
Classification: Benign. Last evaluated: 2016-04-07. Review status: criteria provided, single submitter. Criteria: ACMG Guidelines, 2015. Collection method: clinical testing. Allele origin: germline. Observed: 299 variant alleles.

GeneDx
Classification: Benign. Last evaluated: 2015-03-03. Review status: criteria provided, single submitter. Criteria: GeneDx Variant Classification Process June 2021. Collection method: clinical testing. Allele origin: germline. Affected: yes.

Breakthrough Genomics
Classification: Benign. Review status: criteria provided, single submitter. Criteria: ACMG Guidelines, 2015. Collection method: not provided. Allele origin: germline. Inheritance: Autosomal recessive inheritance. Affected: yes.